The following is an entry in ClinVar:

NM_003998.4(NFKB1):c.638T>A (p.Val213Glu)

Gene: NFKB1 (nuclear factor kappa B subunit 1; plus strand). Cytogenetic location: 4q24.
Variant type: single nucleotide variant.
Coding change: c.638T>A on transcript NM_003998.4 (MANE Select); coding-DNA position 638, T replaced by A.
Protein change: p.Val213Glu; replaces valine 213 with glutamic acid.
Molecular consequence: missense variant.
Genome position (GRCh38, 1-based): chr4:102,578,947, T>A. VCF-style: chr4-102578947-T-A. GRCh37 (hg19) VCF-style: chr4-103500104-T-A.
Other names: c.635T>A, p.Val212Glu (NM_001165412.2, NM_001319226.2, NM_001382627.1); c.638T>A, p.Val213Glu (NM_001382625.1, NM_001382626.1); c.596T>A, p.Val199Glu (NM_001382628.1); short protein forms V199E, V213E, V212E.
Identifiers: ClinVar variation 1992444 (VCV001992444.4), dbSNP rs2476415388, ClinGen allele CA357959612.

ClinVar aggregate classification (germline): Uncertain significance (1 of 4 stars; one submission).

Submission:

Labcorp Genetics (formerly Invitae), Labcorp
Classification: Uncertain significance. Last evaluated: 2022-05-09. Review status: criteria provided, single submitter. Criteria: Invitae Variant Classification Sherloc (09022015). Collection method: clinical testing. Allele origin: germline.
Comment: In summary, the available evidence is currently insufficient to determine the role of this variant in disease. Therefore, it has been classified as a Variant of Uncertain Significance. Algorithms developed to predict the effect of missense changes on protein structure and function are either unavailable or do not agree on the potential impact of this missense change (SIFT: "Deleterious"; PolyPhen-2: "Probably Damaging"; Align-GVGD: "Class C0"). This variant has not been reported in the literature in individuals affected with NFKB1-related conditions. This variant is not present in population databases (gnomAD no frequency). This sequence change replaces valine, which is neutral and non-polar, with glutamic acid, which is acidic and polar, at codon 213 of the NFKB1 protein (p.Val213Glu).